The following is an entry in ClinVar:

NM_001349253.2(SCN11A):c.4057-7T>A

Gene: SCN11A (sodium voltage-gated channel alpha subunit 11; minus strand). Cytogenetic location: 3p22.2.
Variant type: single nucleotide variant.
Coding change: c.4057-7T>A on transcript NM_001349253.2 (MANE Select); 7 bases into the intron before coding-DNA position 4057, T replaced by A.
Molecular consequence: intron variant.
Genome position (GRCh38, 1-based): chr3:38,850,758, A>T on the plus strand (T>A on the coding strand, the complement: SCN11A is on the minus strand). VCF-style: chr3-38850758-A-T. GRCh37 (hg19) VCF-style: chr3-38892249-A-T.
Other names: c.4057-7T>A (NM_014139.3).
Identifiers: ClinVar variation 578763 (VCV000578763.8), dbSNP rs976052295, ClinGen allele CA72961768.
Genomic context (GRCh38, chr3:38,850,758, plus strand): 5'-GATGTCAAAGATCTGGCTTGTGACTATGTCGAACACGAGACCTTGACATTTGTTCTGAGA[A>T]AAAAAAGAAATTATAAATCATTTTGAATGCAAGAATAAAATTACATACAATAAAAAGAAC-3'

ClinVar aggregate classification (germline): Likely benign. Review status: criteria provided, multiple submitters, no conflicts (2 of 4 stars). 2 submissions from 2 submitters: Likely benign (2). Last evaluated 2025-08-26.

Conditions:
SCN11A-related disorder. Also called: SCN11A-related condition.
Familial episodic pain syndrome with predominantly lower limb involvement. Also called: Episodic pain syndrome, familial, 3. Identifiers: Orphanet 391384, Orphanet 391392, MedGen C3809899, MONDO:0014247, OMIM 615552.
Hereditary sensory and autonomic neuropathy type 7. Also called: HSAN VII; Neuropathy, hereditary sensory and autonomic, type VII. Identifiers: Orphanet 391397, MedGen C3809882, MONDO:0014244, OMIM 615548.

Allele frequency attached by ClinVar (database versions not stated): gnomAD 0.00001; TOPMed 0.00001.
gnomAD v4.1: 1 of 1,564,604 alleles (0.000064%); highest among the groups gnomAD compares: African/African-American, 0.0014%; no homozygotes.

Submissions (2):

PreventionGenetics, part of Exact Sciences
Classification: Likely benign for SCN11A-related condition. Last evaluated: 2025-08-26. Review status: criteria provided, single submitter. Criteria: ACMG Guidelines, 2015. Collection method: clinical testing. Allele origin: germline.
Comment: This variant is classified as likely benign based on ACMG/AMP sequence variant interpretation guidelines (Richards et al. 2015 PMID: 25741868, with internal and published modifications).

Labcorp Genetics (formerly Invitae), Labcorp
Classification: Likely benign for Familial episodic pain syndrome with predominantly lower limb involvement; Hereditary sensory and autonomic neuropathy type 7. Last evaluated: 2025-04-30. Review status: criteria provided, single submitter. Criteria: Invitae Variant Classification Sherloc (09022015). Collection method: clinical testing. Allele origin: germline.